The following is an entry in ClinVar:

ClinVar aggregate classification (germline): Uncertain significance (1 of 4 stars; one submission).

Submission:

Labcorp Genetics (formerly Invitae), Labcorp
Classification: Uncertain significance. Last evaluated: 2025-01-28. Review status: criteria provided, single submitter. Criteria: Invitae Variant Classification Sherloc (09022015). Collection method: clinical testing. Allele origin: germline.
Comment: This sequence change replaces leucine, which is neutral and non-polar, with arginine, which is basic and polar, at codon 239 of the ADGRA3 protein (p.Leu239Arg). This variant is not present in population databases (gnomAD no frequency). This variant has not been reported in the literature in individuals affected with ADGRA3-related conditions. An algorithm developed to predict the effect of missense changes on protein structure and function (PolyPhen-2) suggests that this variant is likely to be disruptive. In summary, the available evidence is currently insufficient to determine the role of this variant in disease. Therefore, it has been classified as a Variant of Uncertain Significance.

NM_145290.4(ADGRA3):c.716T>G (p.Leu239Arg)

Gene: ADGRA3 (adhesion G protein-coupled receptor A3; minus strand). Cytogenetic location: 4p15.2.
Variant type: single nucleotide variant.
Coding change: c.716T>G on transcript NM_145290.4 (MANE Select); coding-DNA position 716, T replaced by G.
Protein change: p.Leu239Arg; replaces leucine 239 with arginine.
Molecular consequence: missense variant.
Genome position (GRCh38, 1-based): chr4:22,442,854, A>C on the plus strand (T>G on the coding strand, the complement: ADGRA3 is on the minus strand). VCF-style: chr4-22442854-A-C. GRCh37 (hg19) VCF-style: chr4-22444477-A-C.
Other names: short protein forms L239R.
Identifiers: ClinVar variation 4742028 (VCV004742028.1).
Genomic context (GRCh38, chr4:22,442,854, plus strand): 5'-CTGTCTCCTTCAAACACAACTTGGCGATGAGATGGAGTCATGTAGAAAGACGGCAATTCA[A>C]GCGGAGGGTCTAGAGACAATCAAACAAAGATTCAGTAAACAAATATAATTTCCAAACACC-3'
Protein context (NP_660333.2, residues 229-249): KQELLTCDPP[Leu239Arg]ELPSFYMTPS